The following is an entry in ClinVar:

NM_000257.4(MYH7):c.4388C>T (p.Ser1463Leu)

Genes: MHRT (myosin heavy chain associated RNA transcript; plus strand), MYH7 (myosin heavy chain 7; minus strand). Cytogenetic location: 14q11.2.
Variant type: single nucleotide variant.
Coding change: c.4388C>T on transcript NM_000257.4 (MANE Select); coding-DNA position 4388, C replaced by T.
Protein change: p.Ser1463Leu; replaces serine 1463 with leucine.
Molecular consequence: missense variant. On other transcripts: non-coding transcript variant (1).
Genome position (GRCh38, 1-based): chr14:23,417,284, G>A on the plus strand (C>T on the coding strand, the complement: MYH7 is on the minus strand). VCF-style: chr14-23417284-G-A. GRCh37 (hg19) VCF-style: chr14-23886493-G-A.
Other names: short protein forms S1463L.
Identifiers: ClinVar variation 517346 (VCV000517346.16), dbSNP rs890401818, ClinGen allele CA257811806.

ClinVar aggregate classification (germline): Uncertain significance. Review status: criteria provided, multiple submitters, no conflicts (2 of 4 stars). 5 submissions from 5 submitters: Uncertain significance (5). Last evaluated 2025-02-13.

Conditions:
Cardiovascular phenotype. Identifiers: MedGen CN230736.
Hypertrophic cardiomyopathy. Also called: HYPERTROPHIC MYOCARDIOPATHY. Identifiers: Orphanet 217569, MedGen C0007194, MeSH D002312, MONDO:0005045, HP:0001639.

Allele frequency attached by ClinVar (database versions not stated): gnomAD exomes below 0.00001; gnomAD 0.00001.
gnomAD v4.1: 4 of 1,614,024 alleles (0.00025%); highest among the groups gnomAD compares: South Asian, 0.0011%; no homozygotes.

Submissions (5):

Ambry Genetics
Classification: Uncertain significance for Cardiovascular phenotype. Last evaluated: 2025-02-13. Review status: criteria provided, single submitter. Criteria: Ambry Variant Classification Scheme 2023. Collection method: clinical testing. Allele origin: germline.
Comment: The p.S1463L variant (also known as c.4388C>T), located in coding exon 30 of the MYH7 gene, results from a C to T substitution at nucleotide position 4388. The serine at codon 1463 is replaced by leucine, an amino acid with dissimilar properties. This variant was reported in individual(s) in hypertrophic cardiomyopathy (HCM) and sudden unexplained death cohorts (Guo L et al. JAMA Cardiol, 2021 Sep;6:1013-1022; Harper AR et al. Nat Genet, 2021 Feb;53:135-142). This amino acid position is well conserved in available vertebrate species. In addition, this alteration is predicted to be tolerated by in silico analysis. Based on the available evidence, the clinical significance of this variant remains unclear.

GeneDx
Classification: Uncertain significance. Last evaluated: 2024-03-08. Review status: criteria provided, single submitter. Criteria: GeneDx Variant Classification Process June 2021. Collection method: clinical testing. Allele origin: germline. Affected: yes.
Comment: Identified in patients suffering sudden cardiac death (SCD) in published literature (PMID: 34076677); Not observed at significant frequency in large population cohorts (gnomAD); In silico analysis supports that this missense variant does not alter protein structure/function; This variant is associated with the following publications: (PMID: 34076677)

Labcorp Genetics (formerly Invitae), Labcorp
Classification: Uncertain significance for Hypertrophic cardiomyopathy. Last evaluated: 2023-09-10. Review status: criteria provided, single submitter. Criteria: Invitae Variant Classification Sherloc (09022015). Collection method: clinical testing. Allele origin: germline.
Comment: This variant is not present in population databases (gnomAD no frequency). This sequence change replaces serine, which is neutral and polar, with leucine, which is neutral and non-polar, at codon 1463 of the MYH7 protein (p.Ser1463Leu). This missense change has been observed in individual(s) with sudden cardiac death (PMID: 34076677). In summary, the available evidence is currently insufficient to determine the role of this variant in disease. Therefore, it has been classified as a Variant of Uncertain Significance. Advanced modeling of protein sequence and biophysical properties (such as structural, functional, and spatial information, amino acid conservation, physicochemical variation, residue mobility, and thermodynamic stability) performed at Invitae indicates that this missense variant is not expected to disrupt MYH7 protein function. ClinVar contains an entry for this variant (Variation ID: 517346).

Revvity Omics, Revvity
Classification: Uncertain significance. Last evaluated: 2023-08-17. Review status: criteria provided, single submitter. Criteria: ACMG Guidelines, 2015. Collection method: clinical testing. Allele origin: germline.

Laboratory for Molecular Medicine, Mass General Brigham Personalized Medicine
Classification: Uncertain significance. Last evaluated: 2017-04-07. Review status: criteria provided, single submitter. Criteria: LMM Criteria. Collection method: clinical testing. Allele origin: germline. Inheritance: Autosomal dominant inheritance. Observed: 1 variant allele.
Comment: Variant classified as Uncertain Significance - Favor Pathogenic. The p.Ser1463Le u variant in MYH7 has not been previously reported in individuals with cardiomyo pathy or in large population studies. Serine (Ser) at position 1463 is highly co nserved in mammals, and the change to leucine (Leu) was predicted to be pathogen ic using a computational tool clinically validated by our laboratory. This tool' s pathogenic prediction is estimated to be correct 94% of the time (Jordan 2011) . In summary, while there is some suspicion for a pathogenic role, the clinical significance of the p.Ser1463Leu variant is uncertain.

Literature cited by the submitters: PubMed 33495597 (cited by Ambry Genetics); PubMed 34076677 (cited by Ambry Genetics and Labcorp Genetics (formerly Invitae), Labcorp).